The following is an entry in ClinVar:

NM_001368397.1(FRMPD4):c.2836C>G (p.Leu946Val)

Gene: FRMPD4 (FERM and PDZ domain containing 4; plus strand). Cytogenetic location: Xp22.2.
Variant type: single nucleotide variant.
Coding change: c.2836C>G on transcript NM_001368397.1 (MANE Select); coding-DNA position 2836, C replaced by G.
Protein change: p.Leu946Val; replaces leucine 946 with valine.
Molecular consequence: missense variant.
Genome position (GRCh38, 1-based): chrX:12,717,662, C>G. VCF-style: chrX-12717662-C-G. GRCh37 (hg19) VCF-style: chrX-12735781-C-G.
Other names: c.2947C>G, p.Leu983Val (NM_001368395.3, NM_001368398.3); c.2842C>G, p.Leu948Val (NM_001368396.3); c.2827C>G, p.Leu943Val (NM_001368399.3); c.2716C>G, p.Leu906Val (NM_001368400.3); c.2812C>G, p.Leu938Val (NM_001368401.1, NM_001368402.3); c.2836C>G, p.Leu946Val (NM_014728.3); short protein forms L906V, L938V, L943V, L946V, L948V, L983V.
Identifiers: ClinVar variation 1187531 (VCV001187531.3), dbSNP rs1413890026, ClinGen allele CA412315526.
Genomic context (GRCh38, chrX:12,717,662, plus strand): 5'-CAAAAACAGTCAGAAAACCTCTCCCGCATGTTCTTGGCCACTCACGAAGGCTACCACCCC[C>G]TTGCAGAAGAGCAGACCGAGTTCCCGGCCTCCAAGACCCCCGCTGGGGGCTTGCCTCCAA-3'
Protein context (NP_001355326.1, residues 936-956): FLATHEGYHP[Leu946Val]AEEQTEFPAS

ClinVar aggregate classification (germline): Uncertain significance. Review status: criteria provided, multiple submitters, no conflicts (2 of 4 stars). 2 submissions from 2 submitters: Uncertain significance (2). Last evaluated 2024-05-14.

Conditions:
Inborn genetic diseases. Identifiers: MedGen C0950123, MeSH D030342.

Allele frequency attached by ClinVar (database versions not stated): gnomAD exomes below 0.00001 and 0.00001; TOPMed 0.00001; gnomAD 0.00002.
gnomAD v4.1: 10 of 1,210,017 alleles (0.00083%); highest among the groups gnomAD compares: Admixed American, 0.0044%; no homozygotes.

Submissions (2):

Ambry Genetics
Classification: Uncertain significance for Inborn genetic diseases. Last evaluated: 2024-05-14. Review status: criteria provided, single submitter. Criteria: Ambry Variant Classification Scheme 2023. Collection method: clinical testing. Allele origin: germline.

GeneDx
Classification: Uncertain significance. Last evaluated: 2021-07-29. Review status: criteria provided, single submitter. Criteria: GeneDx Variant Classification Process June 2021. Collection method: clinical testing. Allele origin: germline. Affected: yes.
Comment: In silico analysis, which includes protein predictors and evolutionary conservation, supports that this variant does not alter protein structure/function; Has not been previously published as pathogenic or benign to our knowledge